The following is an entry in ClinVar:

NR_106884.1(MIR6826):n.10T>C

Genes: COPG1 (COPI coat complex subunit gamma 1; plus strand), MIR6826 (microRNA 6826; plus strand). Cytogenetic location: 3q21.3.
Variant type: single nucleotide variant.
Molecular consequence: intron variant (on NM_016128.4). On other transcripts: non-coding transcript variant (1).
Genome position: GRCh38 VCF-style: chr3-129272155-T-C. GRCh37 (hg19) VCF-style: chr3-128990998-T-C.
Other names: c.1987-89T>C (NM_016128.4).
Identifiers: ClinVar variation 2688277 (VCV002688277.2), dbSNP rs6771809, ClinGen allele CA2604060.

ClinVar aggregate classification (germline): Benign (1 of 4 stars; one submission).

Allele frequency attached by ClinVar (database versions not stated): gnomAD exomes 0.12546; ExAC 0.21012; gnomAD 0.24859; TOPMed 0.27104; 1000 Genomes Project 0.27376; 1000 Genomes Project 30x 0.28092.
gnomAD v4.1: 179,066 of 1,268,236 alleles (14%); highest among the groups gnomAD compares: African/African-American, 57%; 20,390 homozygotes.

Submission:

Unidad de Genómica Garrahan, Hospital de Pediatría Garrahan
Classification: Benign. Last evaluated: 2024-01-24. Review status: criteria provided, single submitter. Criteria: ACMG Guidelines, 2015. Collection method: clinical testing. Allele origin: germline. Affected: no. Observed: 26 variant alleles.
Comment: This variant is classified as Benign based on local population frequency. This variant was detected in 27% of patients studied by a panel of primary immunodeficiencies. Number of patients: 26. Only high quality variants are reported.